The following is an entry in ClinVar:

ClinVar aggregate classification (germline): Uncertain significance (1 of 4 stars; one submission).

Conditions:
Autism, susceptibility to, X-linked 2 (AUTSX2). Also called: Autism susceptibility, X-linked 2. Identifiers: MedGen C1845539, MONDO:0010341, OMIM 300495.

Submission:

Regional Center For Medical Genetics Timis, Louis Turcanu Emergency Hospital for Children Timisoara
Classification: Uncertain significance for Autism, susceptibility to, X-linked 2. Last evaluated: 2025-06-20. Review status: criteria provided, single submitter. Criteria: ACMG Guidelines, 2015. Collection method: clinical testing. Allele origin: germline. Affected: yes.
Comment: The variant is present in population databases at a low frequency, with the highest frequency observed in the South Asian population (gnomAD v4.1.0, allele frequency = 0.00003517). In silico predictions are inconclusive. The affected amino acid residue (Val380) is conserved across species. To our knowledge, this variant has not been previously reported in the literature. Based on the available evidence, this variant is classified as of uncertain significance (VUS).

NM_181332.3(NLGN4X):c.1138G>A (p.Val380Met)

Gene: NLGN4X (neuroligin 4 X-linked; minus strand). Cytogenetic location: Xp22.32.
Variant type: single nucleotide variant.
Coding change: c.1138G>A on transcript NM_181332.3 (MANE Select); coding-DNA position 1138, G replaced by A.
Protein change: p.Val380Met; replaces valine 380 with methionine.
Molecular consequence: missense variant.
Genome position (GRCh38, 1-based): chrX:5,903,540, C>T on the plus strand (G>A on the coding strand, the complement: NLGN4X is on the minus strand). VCF-style: chrX-5903540-C-T. GRCh37 (hg19) VCF-style: chrX-5821581-C-T.
Other names: c.1138G>A, p.Val380Met (NM_001282145.2, NM_001282146.2, NM_001441322.1 and 4 more transcripts); short protein forms V380M.
Identifiers: ClinVar variation 4526642 (VCV004526642.1).